The following is an entry in ClinVar:

ClinVar aggregate classification (germline): Pathogenic (1 of 4 stars; one submission).

Submission:

GeneDx
Classification: Pathogenic. Last evaluated: 2025-02-07. Review status: criteria provided, single submitter. Criteria: GeneDx Variant Classification Process June 2021. Collection method: clinical testing. Allele origin: germline. Affected: yes.
Comment: Nonsense variant predicted to result in protein truncation or nonsense mediated decay in a gene for which loss of function is a known mechanism of disease; Not observed at significant frequency in large population cohorts (gnomAD); Has not been previously published as pathogenic or benign to our knowledge

NM_001165963.4(SCN1A):c.4507G>T (p.Glu1503Ter)

Genes: SCN1A (sodium voltage-gated channel alpha subunit 1; minus strand), LOC102724058 (uncharacterized LOC102724058; plus strand). Cytogenetic location: 2q24.3.
Variant type: single nucleotide variant.
Coding change: c.4507G>T on transcript NM_001165963.4 (MANE Select); coding-DNA position 4507, G replaced by T.
Protein change: p.Glu1503Ter; replaces glutamic acid 1503 with a stop codon.
Molecular consequence: nonsense. On other transcripts: non-coding transcript variant (1).
Genome position (GRCh38, 1-based): chr2:165,996,087, C>A on the plus strand (G>T on the coding strand, the complement: SCN1A is on the minus strand). VCF-style: chr2-165996087-C-A. GRCh37 (hg19) VCF-style: chr2-166852597-C-A.
Other names: c.4471G>T, p.Glu1491Ter (NM_001353955.2, NM_001353954.2); c.4423G>T, p.Glu1475Ter (NM_001353957.2, NM_001353958.2, NM_001165964.3); c.4420G>T, p.Glu1474Ter (NM_001353960.2); c.2065G>T, p.Glu689Ter (NM_001353961.2); c.4474G>T, p.Glu1492Ter (NM_006920.6, NM_001353949.2, NM_001353950.2 and 2 more transcripts); c.4507G>T, p.Glu1503Ter (NM_001202435.3, NM_001353948.2); short protein forms E1474*, E1475*, E1491*, E1492*, E1503*, E689*.
Identifiers: ClinVar variation 4074375 (VCV004074375.1).